The following is an entry in ClinVar:

NM_003001.5(SDHC):c.296A>G (p.Tyr99Cys)

Gene: SDHC (succinate dehydrogenase complex subunit C; plus strand). Cytogenetic location: 1q23.3.
Variant type: single nucleotide variant.
Coding change: c.296A>G on transcript NM_003001.5 (MANE Select); coding-DNA position 296, A replaced by G.
Protein change: p.Tyr99Cys; replaces tyrosine 99 with cysteine.
Molecular consequence: missense variant. On other transcripts: non-coding transcript variant (1), intron variant (3).
Genome position (GRCh38, 1-based): chr1:161,356,731, A>G. VCF-style: chr1-161356731-A-G. GRCh37 (hg19) VCF-style: chr1-161326521-A-G.
Other names: c.194A>G, p.Tyr65Cys (NM_001035512.3); c.137A>G, p.Tyr46Cys (NM_001035513.3); c.416A>G, p.Tyr139Cys (NM_001407115.1); c.239A>G, p.Tyr80Cys (NM_001407116.1); c.233A>G, p.Tyr78Cys (NM_001407117.1); c.188A>G, p.Tyr63Cys (NM_001407118.1); c.185A>G, p.Tyr62Cys (NM_001407119.1, NM_001407120.1); c.242-5598A>G (NM_001035511.3); and 2 more; short protein forms Y99C, Y46C, Y65C, Y62C, Y80C, Y63C, Y78C, Y139C.
Identifiers: ClinVar variation 407052 (VCV000407052.26), dbSNP rs1060501390, ClinGen allele CA16609900.
Genomic context (GRCh38, chr1:161,356,731, plus strand): 5'-CCTCAGGGGTCTCTCTTTTTGGCATGTCGGCCCTGTTACTCCCTGGGAACTTTGAGTCTT[A>G]TTTGGAACTTGTGAAGTCCCTGTGTCTGGGGCCAGCACTGATCCACACAGCTAAGTTTGC-3'
Protein context (NP_002992.1, residues 89-109): ALLLPGNFES[Tyr99Cys]LELVKSLCLG

ClinVar aggregate classification (germline): Uncertain significance. Review status: criteria provided, multiple submitters, no conflicts (2 of 4 stars). 4 submissions from 4 submitters: Uncertain significance (4). Last evaluated 2025-06-23.

Conditions:
Pheochromocytoma/paraganglioma syndrome 3. Also called: GLOMUS TUMORS, FAMILIAL, 3; SDHC-Related Hereditary Paraganglioma-Pheochromocytoma Syndrome (Paragangliomas 3); Paragangliomas 3; SDHC-Related Hereditary Paraganglioma-Pheochromocytoma Syndrome. Identifiers: Orphanet 29072, MedGen C1854336, MONDO:0011544, OMIM 605373.
Gastrointestinal stromal tumor. Also called: Gastrointestinal stromal tumor, somatic; Gastrointestinal stroma tumor. Identifiers: Orphanet 44890, MedGen C0238198, MeSH D046152, MONDO:0011719, OMIM 606764, HP:0100723.
Hereditary cancer-predisposing syndrome. Also called: Neoplastic Syndromes, Hereditary; Hereditary Cancer Syndrome; Hereditary neoplastic syndrome; Tumor predisposition. Identifiers: Orphanet 140162, MedGen C0027672, MeSH D009386, MONDO:0015356.
Hereditary pheochromocytoma and paraganglioma. Also called: Hereditary Paraganglioma-Pheochromocytoma Syndromes; Hereditary pheochromocytoma-paraganglioma; Hereditary paragangliomas and pheochromocytomas. Identifiers: Orphanet 29072, MedGen C4274332, MONDO:0017366.

Allele frequency attached by ClinVar (database versions not stated): gnomAD exomes below 0.00001.
gnomAD v4.1: 2 of 1,613,930 alleles (0.00012%); highest among the groups gnomAD compares: African/African-American, 0.0013%; no homozygotes.

Submissions (4):

Color Diagnostics, LLC DBA Color Health
Classification: Uncertain significance for Hereditary pheochromocytoma and paraganglioma. Last evaluated: 2025-06-23. Review status: criteria provided, single submitter. Criteria: ACMG Guidelines, 2015. Collection method: clinical testing. Allele origin: germline.
Comment: This missense variant replaces tyrosine with cysteine at codon 99 of the SDHC protein. Computational prediction suggests that this variant may have deleterious impact on protein structure and function. To our knowledge, functional studies have not been reported for this variant. This variant has not been reported in individuals affected with SDHC-related disorders in the literature. This variant has been identified in 1/249004 chromosomes in the general population by the Genome Aggregation Database (gnomAD). The available evidence is insufficient to determine the role of this variant in disease conclusively. Therefore, this variant is classified as a Variant of Uncertain Significance.

Labcorp Genetics (formerly Invitae), Labcorp
Classification: Uncertain significance for Pheochromocytoma/paraganglioma syndrome 3; Gastrointestinal stromal tumor. Last evaluated: 2025-04-06. Review status: criteria provided, single submitter. Criteria: Invitae Variant Classification Sherloc (09022015). Collection method: clinical testing. Allele origin: germline.
Comment: This sequence change replaces tyrosine, which is neutral and polar, with cysteine, which is neutral and slightly polar, at codon 99 of the SDHC protein (p.Tyr99Cys). This variant is present in population databases (no rsID available, gnomAD 0.007%). This variant has not been reported in the literature in individuals affected with SDHC-related conditions. ClinVar contains an entry for this variant (Variation ID: 407052). An algorithm developed to predict the effect of missense changes on protein structure and function (PolyPhen-2) suggests that this variant is likely to be disruptive. In summary, the available evidence is currently insufficient to determine the role of this variant in disease. Therefore, it has been classified as a Variant of Uncertain Significance.

Ambry Genetics
Classification: Uncertain significance for Hereditary cancer-predisposing syndrome. Last evaluated: 2024-04-04. Review status: criteria provided, single submitter. Criteria: Ambry Variant Classification Scheme 2023. Collection method: clinical testing. Allele origin: germline.
Comment: The p.Y99C variant (also known as c.296A>G), located in coding exon 5 of the SDHC gene, results from an A to G substitution at nucleotide position 296. The tyrosine at codon 99 is replaced by cysteine, an amino acid with highly dissimilar properties. This amino acid position is conserved. In addition, the in silico prediction for this alteration is inconclusive. Based on the available evidence, the clinical significance of this variant remains unclear.

All of Us Research Program, National Institutes of Health
Classification: Uncertain significance for Hereditary pheochromocytoma and paraganglioma. Last evaluated: 2024-01-11. Review status: criteria provided, single submitter. Criteria: ACMG Guidelines, 2015. Collection method: clinical testing. Allele origin: germline. Inheritance: Autosomal dominant inheritance. Observed: 1 variant allele, 1 heterozygote.
Comment: This study involves interpretation of variants in research participants for the purpose of population health screening. Participant phenotype was not available at the time of variant classification. Additional details can be found in publication PMID: 35346344, PMCID: PMC8962531